The following is an entry in ClinVar:

NM_004656.4(BAP1):c.235A>T (p.Asn79Tyr)

Gene: BAP1 (BRCA1 associated deubiquitinase 1; minus strand). Cytogenetic location: 3p21.1.
Variant type: single nucleotide variant.
Coding change: c.235A>T on transcript NM_004656.4 (MANE Select); coding-DNA position 235, A replaced by T.
Protein change: p.Asn79Tyr; replaces asparagine 79 with tyrosine.
Molecular consequence: missense variant.
Genome position (GRCh38, 1-based): chr3:52,408,494, T>A on the plus strand (A>T on the coding strand, the complement: BAP1 is on the minus strand). VCF-style: chr3-52408494-T-A. GRCh37 (hg19) VCF-style: chr3-52442510-T-A.
Other names: c.235A>T, p.Asn79Tyr (NM_001410772.1); short protein forms N79Y.
Identifiers: ClinVar variation 2790397 (VCV002790397.3), dbSNP rs2153228291, ClinGen allele CA353113020.
Genomic context (GRCh38, chr3:52,408,494, plus strand): 5'-AGCATCCCACCCTCCAAACAAAGCACAGAGTCCAGCAGACCTGGTGGGCAAAGAACATGT[T>A]ATTCACAATATCATCATCAATCACGGACGTATCATCCACCAAGGTAGAGACCTTTCGCCG-3'
Protein context (NP_004647.1, residues 69-89): TSVIDDDIVN[Asn79Tyr]MFFAHQLIPN

ClinVar aggregate classification (germline): Uncertain significance (1 of 4 stars; one submission).

Conditions:
BAP1-related tumor predisposition syndrome (TPDS1). Also called: COMMON Syndrome; TUMOR PREDISPOSITION SYNDROME 1; Tumor susceptibility linked to germline BAP1 mutations; BAP1 tumor predisposition syndrome. Identifiers: Orphanet 289539, MedGen C3280492, MONDO:0013692, OMIM 614327.

Submission:

Labcorp Genetics (formerly Invitae), Labcorp
Classification: Uncertain significance for BAP1-related tumor predisposition syndrome. Last evaluated: 2023-09-01. Review status: criteria provided, single submitter. Criteria: Invitae Variant Classification Sherloc (09022015). Collection method: clinical testing. Allele origin: germline.
Comment: This sequence change replaces asparagine, which is neutral and polar, with tyrosine, which is neutral and polar, at codon 79 of the BAP1 protein (p.Asn79Tyr). This variant is not present in population databases (gnomAD no frequency). This variant has not been reported in the literature in individuals affected with BAP1-related conditions. Advanced modeling of protein sequence and biophysical properties (such as structural, functional, and spatial information, amino acid conservation, physicochemical variation, residue mobility, and thermodynamic stability) performed at Invitae indicates that this missense variant is not expected to disrupt BAP1 protein function. In summary, the available evidence is currently insufficient to determine the role of this variant in disease. Therefore, it has been classified as a Variant of Uncertain Significance.